The following is an entry in ClinVar:

ClinVar aggregate classification (germline): Uncertain significance (1 of 4 stars; one submission).

Submission:

Labcorp Genetics (formerly Invitae), Labcorp
Classification: Uncertain significance. Last evaluated: 2024-09-23. Review status: criteria provided, single submitter. Criteria: Invitae Variant Classification Sherloc (09022015). Collection method: clinical testing. Allele origin: germline.
Comment: This sequence change replaces cysteine, which is neutral and slightly polar, with arginine, which is basic and polar, at codon 365 of the ALPK3 protein (p.Cys365Arg). This variant is not present in population databases (gnomAD no frequency). This variant has not been reported in the literature in individuals affected with ALPK3-related conditions. An algorithm developed to predict the effect of missense changes on protein structure and function (PolyPhen-2) suggests that this variant is likely to be disruptive. In summary, the available evidence is currently insufficient to determine the role of this variant in disease. Therefore, it has been classified as a Variant of Uncertain Significance.

NM_020778.5(ALPK3):c.487T>C (p.Cys163Arg)

Gene: ALPK3 (alpha kinase 3; plus strand). Cytogenetic location: 15q25.3.
Variant type: single nucleotide variant.
Coding change: c.487T>C on transcript NM_020778.5 (MANE Select); coding-DNA position 487, T replaced by C.
Protein change: p.Cys163Arg; replaces cysteine 163 with arginine.
Molecular consequence: missense variant.
Genome position (GRCh38, 1-based): chr15:84,839,766, T>C. VCF-style: chr15-84839766-T-C. GRCh37 (hg19) VCF-style: chr15-85382997-T-C.
Other names: short protein forms C163R.
Identifiers: ClinVar variation 3686392 (VCV003686392.2).